The following is an entry in ClinVar:

ClinVar aggregate classification (germline): Uncertain significance. Review status: criteria provided, multiple submitters, no conflicts (2 of 4 stars). 2 submissions from 2 submitters: Uncertain significance (2). Last evaluated 2023-02-22.

Submissions (2):

Labcorp Genetics (formerly Invitae), Labcorp
Classification: Uncertain significance. Last evaluated: 2023-02-22. Review status: criteria provided, single submitter. Criteria: Invitae Variant Classification Sherloc (09022015). Collection method: clinical testing. Allele origin: germline.
Comment: This missense change has been observed in individual(s) with hereditary angioedema type I (PMID: 31517426). This sequence change replaces leucine, which is neutral and non-polar, with valine, which is neutral and non-polar, at codon 197 of the SERPING1 protein (p.Leu197Val). This variant is not present in population databases (gnomAD no frequency). ClinVar contains an entry for this variant (Variation ID: 418485). Advanced modeling of protein sequence and biophysical properties (such as structural, functional, and spatial information, amino acid conservation, physicochemical variation, residue mobility, and thermodynamic stability) has been performed at Invitae for this missense variant, however the output from this modeling did not meet the statistical confidence thresholds required to predict the impact of this variant on SERPING1 protein function. In summary, the available evidence is currently insufficient to determine the role of this variant in disease. Therefore, it has been classified as a Variant of Uncertain Significance.

GeneDx
Classification: Uncertain significance. Last evaluated: 2016-03-29. Review status: criteria provided, single submitter. Criteria: GeneDx Variant Classification (06012015). Collection method: clinical testing. Allele origin: germline. Affected: yes.
Comment: The L197V variant has not been published as a pathogenic variant, nor has it been reported as a benign variant to our knowledge. The variant was not observed in approximately 6,500 individuals of European and African American ancestry in the NHLBI Exome Sequencing Project, indicating it is not a common benign variant in these populations. L197V is a conservative amino acid substitution, which is not likely to impact secondary protein structure as these residues share similar properties. However, this substitution occurs at a position that is conserved in mammals, and in silico analysis predicts this variant is probably damaging to the protein structure/function. Therefore, based on the currently available information, it is unclear whether this variant is a pathogenic variant or a rare benign variant.

Literature cited by the submitters: PubMed 31517426 (cited by Labcorp Genetics (formerly Invitae), Labcorp).

NM_000062.3(SERPING1):c.589C>G (p.Leu197Val)

Gene: SERPING1 (serpin family G member 1; plus strand). Cytogenetic location: 11q12.1.
Variant type: single nucleotide variant.
Coding change: c.589C>G on transcript NM_000062.3 (MANE Select); coding-DNA position 589, C replaced by G.
Protein change: p.Leu197Val; replaces leucine 197 with valine.
Molecular consequence: missense variant.
Genome position (GRCh38, 1-based): chr11:57,602,073, C>G. VCF-style: chr11-57602073-C-G. GRCh37 (hg19) VCF-style: chr11-57369546-C-G.
Other names: c.589C>G, p.Leu197Val (NM_001032295.2); short protein forms L197V.
Identifiers: ClinVar variation 418485 (VCV000418485.5), dbSNP rs1064793266, ClinGen allele CA16619350.